The following is an entry in ClinVar:

ClinVar aggregate classification (germline): Uncertain significance. Review status: criteria provided, multiple submitters, no conflicts (2 of 4 stars). 3 submissions from 3 submitters: Uncertain significance (3). Last evaluated 2026-06-24.

Conditions:
Charcot-Marie-Tooth disease, type I (CMT1). Also called: Charcot-Marie-Tooth disease type 1; Charcot-Marie-Tooth, Type 1. Identifiers: Orphanet 65753, MedGen C0751036, MONDO:0019011.
Inborn genetic diseases. Identifiers: MedGen C0950123, MeSH D030342.

Submissions (3):

Ambry Genetics
Classification: Uncertain significance for Inborn genetic diseases. Last evaluated: 2026-06-24. Review status: criteria provided, single submitter. Criteria: Ambry Variant Classification Scheme 2023. Collection method: clinical testing. Allele origin: germline.

Dasa
Classification: Uncertain significance. Last evaluated: 2025-09-11. Review status: criteria provided, single submitter. Criteria: DASA Assertion Criteria. Collection method: clinical testing. Allele origin: germline.
Comment: NM_000530.8(MPZ):c.272A>C (p.Glu91Ala) is a missense variant that results in the substitution of glutamic acid with alanine. The affected residue or protein region has prior evidence supporting clinical relevance. This variant is absent from population databases. Computational prediction algorithms are consistent with a benign effect. The currently available literature and clinical evidence are not sufficient to establish a definitive association between this variant and the reported condition. Therefore, this variant is classified as a variant of uncertain significance.

Labcorp Genetics (formerly Invitae), Labcorp
Classification: Uncertain significance for Charcot-Marie-Tooth disease, type I. Last evaluated: 2024-05-28. Review status: criteria provided, single submitter. Criteria: Invitae Variant Classification Sherloc (09022015). Collection method: clinical testing. Allele origin: germline.
Comment: This sequence change replaces glutamic acid, which is acidic and polar, with alanine, which is neutral and non-polar, at codon 91 of the MPZ protein (p.Glu91Ala). This variant is not present in population databases (gnomAD no frequency). This variant has not been reported in the literature in individuals affected with MPZ-related conditions. Advanced modeling of protein sequence and biophysical properties (such as structural, functional, and spatial information, amino acid conservation, physicochemical variation, residue mobility, and thermodynamic stability) performed at Invitae indicates that this missense variant is not expected to disrupt MPZ protein function with a negative predictive value of 80%. In summary, the available evidence is currently insufficient to determine the role of this variant in disease. Therefore, it has been classified as a Variant of Uncertain Significance.

NM_000530.8(MPZ):c.272A>C (p.Glu91Ala)

Gene: MPZ (myelin protein zero; minus strand). Cytogenetic location: 1q23.3.
Variant type: single nucleotide variant.
Coding change: c.272A>C on transcript NM_000530.8 (MANE Select); coding-DNA position 272, A replaced by C.
Protein change: p.Glu91Ala; replaces glutamic acid 91 with alanine.
Molecular consequence: missense variant.
Genome position (GRCh38, 1-based): chr1:161,306,884, T>G on the plus strand (A>C on the coding strand, the complement: MPZ is on the minus strand). VCF-style: chr1-161306884-T-G. GRCh37 (hg19) VCF-style: chr1-161276674-T-G.
Other names: c.272A>C, p.Glu91Ala (NM_001315491.2); short protein forms E91A.
Identifiers: ClinVar variation 3707716 (VCV003707716.5).